The following is an entry in ClinVar:

ClinVar aggregate classification (germline): Pathogenic/Likely pathogenic. Review status: criteria provided, multiple submitters, no conflicts (2 of 4 stars). 3 submissions from 3 submitters: Pathogenic (1); Likely pathogenic (1). 1 of the submissions does not count toward it. Last evaluated 2025-03-21.

Conditions:
Autosomal recessive nonsyndromic hearing loss 3. Also called: NEUROSENSORY NONSYNDROMIC RECESSIVE DEAFNESS 3. Identifiers: Orphanet 90636, MedGen C1838263, MONDO:0010860, OMIM 600316.

Allele frequency attached by ClinVar (database versions not stated): gnomAD exomes below 0.00001.
gnomAD v4.1: 1 of 1,614,086 alleles (0.000062%); highest among the groups gnomAD compares: Non-Finnish European, 0.000085%; no homozygotes.

Submissions (3):

GeneDx
Classification: Pathogenic. Last evaluated: 2025-03-21. Review status: criteria provided, single submitter. Criteria: GeneDx Variant Classification Process June 2021. Collection method: clinical testing. Allele origin: germline. Affected: yes.
Comment: Canonical splice site variant predicted to result in a null allele in a gene for which loss of function is a known mechanism of disease; Not observed at significant frequency in large population cohorts (gnomAD); This variant is associated with the following publications: (PMID: 35640668, 35982127)

Juno Genomics, Hangzhou Juno Genomics, Inc
Classification: Likely pathogenic for Autosomal recessive nonsyndromic hearing loss 3. Review status: criteria provided, single submitter. Criteria: ACMG Guidelines, 2015. Collection method: clinical testing. Allele origin: germline.
Comment: Null variant in a gene where loss of function (LOF) is a known mechanism of disease.;Absent from controls (or at extremely low frequency if recessive) in Genome Aggregation Database.

Deafness Molecular Diagnostic Center, Chinese PLA General Hospital
Classification: Pathogenic for Autosomal recessive nonsyndromic hearing loss 3. Review status: no assertion criteria provided. Criteria: ACMG Guidelines, 2015. Collection method: case-control. Allele origin: maternal. Affected: yes. Not counted in ClinVar's aggregate classification.

NM_016239.4(MYO15A):c.3693-2A>G

Gene: MYO15A (myosin XVA; plus strand). Cytogenetic location: 17p11.2.
Variant type: single nucleotide variant.
Coding change: c.3693-2A>G on transcript NM_016239.4 (MANE Select); the canonical splice acceptor site of the intron before coding-DNA position 3693, A replaced by G.
Molecular consequence: splice acceptor variant.
Genome position (GRCh38, 1-based): chr17:18,125,166, A>G. VCF-style: chr17-18125166-A-G. GRCh37 (hg19) VCF-style: chr17-18028480-A-G.
Identifiers: ClinVar variation 1185623 (VCV001185623.4), dbSNP rs2142274411, ClinGen allele CA398590031.